The following is an entry in ClinVar:

ClinVar aggregate classification (germline): Uncertain significance (1 of 4 stars; one submission).

Conditions:
Neurofibromatosis, type 1 (NF1). Also called: VON RECKLINGHAUSEN DISEASE; NEUROFIBROMATOSIS, TYPE I, SOMATIC; Peripheral type neurofibromatosis; Neurofibromatosis, type I. Identifiers: Orphanet 636, MedGen C0027831, MONDO:0018975, OMIM 162200. Disease mechanism: loss of function.

Submission:

Labcorp Genetics (formerly Invitae), Labcorp
Classification: Uncertain significance for Neurofibromatosis, type 1. Last evaluated: 2024-02-07. Review status: criteria provided, single submitter. Criteria: Invitae Variant Classification Sherloc (09022015). Collection method: clinical testing. Allele origin: germline.
Comment: This sequence change falls in intron 12 of the NF1 gene. It does not directly change the encoded amino acid sequence of the NF1 protein. This variant is not present in population databases (gnomAD no frequency). This variant has not been reported in the literature in individuals affected with NF1-related conditions. Studies have shown that this variant is associated with altered splicing resulting in multiple RNA products (Invitae). In summary, the available evidence is currently insufficient to determine the role of this variant in disease. Therefore, it has been classified as a Variant of Uncertain Significance.

NM_001042492.3(NF1):c.1393-597A>G

Gene: NF1 (neurofibromin 1; plus strand). Cytogenetic location: 17q11.2.
Variant type: single nucleotide variant.
Coding change: c.1393-597A>G on transcript NM_001042492.3 (MANE Select); 597 bases into the intron before coding-DNA position 1393, A replaced by G.
Molecular consequence: intron variant.
Genome position (GRCh38, 1-based): chr17:31,213,854, A>G. VCF-style: chr17-31213854-A-G. GRCh37 (hg19) VCF-style: chr17-29540872-A-G.
Other names: c.1393-597A>G (NM_000267.4, NM_001128147.3).
Identifiers: ClinVar variation 3717654 (VCV003717654.2).